The following is an entry in ClinVar:

NM_002087.4(GRN):c.1529G>A (p.Arg510His)

Gene: GRN (granulin precursor; plus strand). Cytogenetic location: 17q21.31.
Variant type: single nucleotide variant.
Coding change: c.1529G>A on transcript NM_002087.4 (MANE Select); coding-DNA position 1529, G replaced by A.
Protein change: p.Arg510His; replaces arginine 510 with histidine.
Molecular consequence: missense variant.
Genome position (GRCh38, 1-based): chr17:44,352,456, G>A. VCF-style: chr17-44352456-G-A. GRCh37 (hg19) VCF-style: chr17-42429824-G-A.
Other names: short protein forms R510H.
Identifiers: ClinVar variation 2197511 (VCV002197511.4), dbSNP rs772031550, ClinGen allele CA8602231.

ClinVar aggregate classification (germline): Uncertain significance (1 of 4 stars; one submission).

Conditions:
GRN-related frontotemporal lobar degeneration with Tdp43 inclusions (FTD2). Also called: DEMENTIA, HEREDITARY DYSPHASIC DISINHIBITION; FRONTOTEMPORAL LOBAR DEGENERATION WITH UBIQUITIN-POSITIVE INCLUSIONS; FTLD-TDP, GRN-RELATED; GRN Frontotemporal Dementia; FRONTOTEMPORAL DEMENTIA WITH TDP43 INCLUSIONS, GRN-RELATED. Identifiers: Orphanet 100070, Orphanet 282, MedGen C1843792, MONDO:0011842, OMIM 607485. Disease mechanism: loss of function.
Neuronal ceroid lipofuscinosis 11. Also called: GRN-Related Neuronal Ceroid-Lipofuscinosis. Identifiers: Orphanet 314629, Orphanet 79262, MedGen C3539123, MONDO:0013866, OMIM 614706.

Allele frequency attached by ClinVar (database versions not stated): ExAC 0.00001; gnomAD 0.00001; gnomAD exomes 0.00001; TOPMed 0.00001.

Submission:

Labcorp Genetics (formerly Invitae), Labcorp
Classification: Uncertain significance for Neuronal ceroid lipofuscinosis 11; GRN-related frontotemporal lobar degeneration with Tdp43 inclusions. Last evaluated: 2022-07-15. Review status: criteria provided, single submitter. Criteria: Invitae Variant Classification Sherloc (09022015). Collection method: clinical testing. Allele origin: germline.
Comment: In summary, the available evidence is currently insufficient to determine the role of this variant in disease. Therefore, it has been classified as a Variant of Uncertain Significance. Algorithms developed to predict the effect of missense changes on protein structure and function output the following: SIFT: "Tolerated"; PolyPhen-2: "Benign"; Align-GVGD: "Class C0". The histidine amino acid residue is found in multiple mammalian species, which suggests that this missense change does not adversely affect protein function. This variant has not been reported in the literature in individuals affected with GRN-related conditions. This variant is present in population databases (rs772031550, gnomAD 0.006%). This sequence change replaces arginine, which is basic and polar, with histidine, which is basic and polar, at codon 510 of the GRN protein (p.Arg510His).